The following is an entry in ClinVar:

ClinVar aggregate classification (germline): Pathogenic (1 of 4 stars; one submission).

Conditions:
Peroxisome biogenesis disorder. Identifiers: Orphanet 79189, MedGen C1832200, MONDO:0019234. Disease mechanism: loss of function.

Submission:

Myriad Genetics, Inc.
Classification: Pathogenic for Peroxisome biogenesis disorder. Last evaluated: 2024-04-03. Review status: criteria provided, single submitter. Criteria: Myriad Autosomal Dominant, Autosomal Recessive and X-Linked Classification Criteria (2023). Collection method: clinical testing. Allele origin: unknown.
Comment: NM_000466.2(PEX1):c.2339_2340delTG(V780Gfs*2) is expected to be pathogenic in the context of peroxisome biogenesis disorder type 1. This variant is predicted to lead to an abnormal or absent protein product due to the creation of a premature termination codon in PEX1, a gene where loss-of-function variants are known to be pathogenic. Please note: this variant was assessed in the context of healthy population screening.

NM_000466.3(PEX1):c.2339_2340del (p.Val780fs)

Gene: PEX1 (peroxisomal biogenesis factor 1; minus strand). Cytogenetic location: 7q21.2.
Variant type: Microsatellite.
Coding change: c.2339_2340del on transcript NM_000466.3 (MANE Select); coding-DNA positions 2339 to 2340, 2 bases deleted (TG; older notation c.2339_2340delTG).
Protein change: p.Val780fs; shifts the reading frame from valine 780.
Molecular consequence: frameshift variant.
Genome position (GRCh38, 1-based): chr7:92,501,966-92,501,967, CA deleted on the plus strand (TG on the coding strand, the reverse complement: PEX1 is on the minus strand); deleting any 2 consecutive bases within chr7:92,501,966-92,501,969 gives the same sequence; the c. name uses the placement nearest the transcript's 3' end. VCF-style (leftmost placement, unchanged base first): chr7-92501965-CCA-C. GRCh37 (hg19) VCF-style: chr7-92131279-CCA-C.
Other names: c.2168_2169del, p.Val723fs (NM_001282677.2); c.1715_1716del, p.Val572fs (NM_001282678.2); short protein forms V572fs, V723fs, V780fs.
Identifiers: ClinVar variation 5012890 (VCV005012890.1).